The following is an entry in ClinVar:

NM_001261826.3(AP3D1):c.2279T>C (p.Leu760Pro)

Gene: AP3D1 (adaptor related protein complex 3 subunit delta 1; minus strand). Cytogenetic location: 19p13.3.
Variant type: single nucleotide variant.
Coding change: c.2279T>C on transcript NM_001261826.3 (MANE Select); coding-DNA position 2279, T replaced by C.
Protein change: p.Leu760Pro; replaces leucine 760 with proline.
Molecular consequence: missense variant.
Genome position (GRCh38, 1-based): chr19:2,115,289, A>G on the plus strand (T>C on the coding strand, the complement: AP3D1 is on the minus strand). VCF-style: chr19-2115289-A-G. GRCh37 (hg19) VCF-style: chr19-2115288-A-G.
Other names: c.2279T>C, p.Leu760Pro (NM_001374799.1, NM_003938.8); c.2279T>C (NM_003938.5); short protein forms L760P.
Identifiers: ClinVar variation 1445076 (VCV001445076.8), dbSNP rs765796625, ClinGen allele CA9058943.

ClinVar aggregate classification (germline): Uncertain significance. Review status: criteria provided, multiple submitters, no conflicts (2 of 4 stars). 2 submissions from 2 submitters: Uncertain significance (2). Last evaluated 2025-08-03.

Conditions:
Inborn genetic diseases. Identifiers: MedGen C0950123, MeSH D030342.

Allele frequency attached by ClinVar (database versions not stated): gnomAD exomes 0.00001 and 0.00002; TOPMed 0.00001; ExAC 0.00003; gnomAD 0.00001.
gnomAD v4.1: 14 of 1,613,294 alleles (0.00087%); highest among the groups gnomAD compares: Middle Eastern, 0.033%; no homozygotes.

Submissions (2):

Ambry Genetics
Classification: Uncertain significance for Inborn genetic diseases. Last evaluated: 2025-08-03. Review status: criteria provided, single submitter. Criteria: Ambry Variant Classification Scheme 2023. Collection method: clinical testing. Allele origin: germline.

Labcorp Genetics (formerly Invitae), Labcorp
Classification: Uncertain significance. Last evaluated: 2023-11-25. Review status: criteria provided, single submitter. Criteria: Invitae Variant Classification Sherloc (09022015). Collection method: clinical testing. Allele origin: germline.
Comment: This sequence change replaces leucine, which is neutral and non-polar, with proline, which is neutral and non-polar, at codon 760 of the AP3D1 protein (p.Leu760Pro). This variant is present in population databases (rs765796625, gnomAD 0.005%). This variant has not been reported in the literature in individuals affected with AP3D1-related conditions. ClinVar contains an entry for this variant (Variation ID: 1445076). An algorithm developed to predict the effect of missense changes on protein structure and function (PolyPhen-2) suggests that this variant is likely to be tolerated. In summary, the available evidence is currently insufficient to determine the role of this variant in disease. Therefore, it has been classified as a Variant of Uncertain Significance.